The following is an entry in ClinVar:

ClinVar aggregate classification (germline): Uncertain significance (1 of 4 stars; one submission).

Conditions:
Familial cold autoinflammatory syndrome 4 (FCAS4). Identifiers: Orphanet 47045, Orphanet 576349, MedGen C4015276, MONDO:0014498, OMIM 616115.
Periodic fever-infantile enterocolitis-autoinflammatory syndrome. Also called: Autoinflammation with infantile enterocolitis. Identifiers: Orphanet 436166, MedGen C4015067, MONDO:0014472, OMIM 616050.

Submission:

Labcorp Genetics (formerly Invitae), Labcorp
Classification: Uncertain significance for Periodic fever-infantile enterocolitis-autoinflammatory syndrome; Familial cold autoinflammatory syndrome 4. Last evaluated: 2021-01-18. Review status: criteria provided, single submitter. Criteria: Invitae Variant Classification Sherloc (09022015). Collection method: clinical testing. Allele origin: germline.
Comment: This sequence change replaces cysteine with tyrosine at codon 258 of the NLRC4 protein (p.Cys258Tyr). The cysteine residue is highly conserved and there is a large physicochemical difference between cysteine and tyrosine. In summary, the available evidence is currently insufficient to determine the role of this variant in disease. Therefore, it has been classified as a Variant of Uncertain Significance. Algorithms developed to predict the effect of missense changes on protein structure and function are either unavailable or do not agree on the potential impact of this missense change (SIFT: "Deleterious"; PolyPhen-2: "Probably Damaging"; Align-GVGD: "Class C0"). This variant has not been reported in the literature in individuals with NLRC4-related conditions. This variant is not present in population databases (ExAC no frequency).

NM_001199138.2(NLRC4):c.773G>A (p.Cys258Tyr)

Gene: NLRC4 (NLR family CARD domain containing 4; minus strand). Cytogenetic location: 2p22.3.
Variant type: single nucleotide variant.
Coding change: c.773G>A on transcript NM_001199138.2 (MANE Select); coding-DNA position 773, G replaced by A.
Protein change: p.Cys258Tyr; replaces cysteine 258 with tyrosine.
Molecular consequence: missense variant. On other transcripts: intron variant (1).
Genome position (GRCh38, 1-based): chr2:32,251,091, C>T on the plus strand (G>A on the coding strand, the complement: NLRC4 is on the minus strand). VCF-style: chr2-32251091-C-T. GRCh37 (hg19) VCF-style: chr2-32476160-C-T.
Other names: c.773G>A, p.Cys258Tyr (NM_001199139.2, NM_021209.5); c.262+1328G>A (NM_001302504.1); short protein forms C258Y.
Identifiers: ClinVar variation 1404221 (VCV001404221.8), dbSNP rs2148942826, ClinGen allele CA346514416.